The following is an entry in ClinVar:

ClinVar aggregate classification (germline): Benign. Review status: criteria provided, single submitter (1 of 4 stars). 2 submissions from 2 submitters: Benign (1). 1 of the submissions does not count toward it. Last evaluated 2023-11-24.

Conditions:
SLC9A6-related disorder. Also called: SLC9A6-related condition.
Christianson syndrome (MRXSCH). Also called: INTELLECTUAL DEVELOPMENTAL DISORDER, X-LINKED, SYNDROMIC, CHRISTIANSON TYPE; SLC9A6-Related Syndromic Mental Retardation; X-linked mental retardation, syndromic, Christianson type. Identifiers: Orphanet 85278, MedGen C2678194, MONDO:0010278, OMIM 300243.

Allele frequency attached by ClinVar (database versions not stated): gnomAD 0.00001; ExAC 0.00009.
gnomAD v4.1: 33 of 1,197,276 alleles (0.0028%); highest among the groups gnomAD compares: South Asian, 0.058%; no homozygotes.

Submissions (2):

Labcorp Genetics (formerly Invitae), Labcorp
Classification: Benign for Christianson syndrome. Last evaluated: 2023-11-24. Review status: criteria provided, single submitter. Criteria: Invitae Variant Classification Sherloc (09022015). Collection method: clinical testing. Allele origin: germline.

PreventionGenetics, part of Exact Sciences
Classification: Likely benign for SLC9A6-related condition. Last evaluated: 2021-11-19. Review status: no assertion criteria provided. Collection method: clinical testing. Allele origin: germline. Not counted in ClinVar's aggregate classification.
Comment: This variant is classified as likely benign based on ACMG/AMP sequence variant interpretation guidelines (Richards et al. 2015 PMID: 25741868, with internal and published modifications).

NM_001379110.1(SLC9A6):c.1059G>A (p.Glu353=)

Gene: SLC9A6 (solute carrier family 9 member A6; plus strand). Cytogenetic location: Xq26.3.
Variant type: single nucleotide variant.
Coding change: c.1059G>A on transcript NM_001379110.1 (MANE Select); coding-DNA position 1059, G replaced by A.
Protein change: p.Glu353=; no amino-acid change (glutamic acid 353 retained).
Molecular consequence: synonymous variant.
Genome position (GRCh38, 1-based): chrX:136,013,416, G>A. VCF-style: chrX-136013416-G-A. GRCh37 (hg19) VCF-style: chrX-135095575-G-A.
Other names: c.1119G>A (NM_006359.2); c.1215G>A, p.Glu405= (NM_001042537.2); c.1059G>A, p.Glu353= (NM_001177651.2, NM_001400909.1, NM_001400910.1 and 2 more transcripts); c.963G>A, p.Glu321= (NM_001330652.2, NM_001400913.1); c.1119G>A, p.Glu373= (NM_006359.3).
Identifiers: ClinVar variation 2145570 (VCV002145570.6), dbSNP rs536438925, ClinGen allele CA10524758.